The following is an entry in ClinVar:

NM_032638.5(GATA2):c.1143+200_1198del

Gene: GATA2 (GATA binding protein 2; minus strand). Cytogenetic location: 3q21.3.
Variant type: Deletion.
Coding change: c.1143+200_1198del on transcript NM_032638.5 (MANE Select); 200 bases into the intron after coding-DNA position 1143 through coding-DNA position 1198, 356 bases deleted.
Molecular consequence: splice acceptor variant.
Genome position (GRCh38, 1-based): chr3:128,481,264-128,481,619, 356 bases deleted. GRCh37 (hg19): chr3:128,200,107-128,200,462.
Other names: c.1101+200_1156del (NM_001145662.1); c.1143+200_1198del (NM_001145661.2).
Identifiers: ClinVar variation 1184201 (VCV001184201.1), dbSNP rs2107668041, ClinGen allele CA2499216427.

ClinVar aggregate classification (germline): Pathogenic (1 of 4 stars; one submission).

Conditions:
Deafness-lymphedema-leukemia syndrome. Also called: Emberger syndrome; Lymphedema, primary, with myelodysplasia. Identifiers: Orphanet 3226, MedGen C3279664, MONDO:0013540, OMIM 614038.
GATA2 deficiency with susceptibility to MDS/AML. Identifiers: MedGen CN300066, MONDO:0042982.

Submission:

Molecular Pathology Research Laboratory, SA Pathology
Classification: Pathogenic for GATA2 deficiency with susceptibility to MDS/AML; Deafness-lymphedema-leukemia syndrome. Last evaluated: 2021-07-06. Review status: criteria provided, single submitter. Criteria: ACMG Guidelines, 2015. Collection method: curation. Allele origin: unknown. Inheritance: Autosomal dominant inheritance. Affected: yes. Observed: 1 variant allele.
Comment: PVS1, PS4_Supporting, PM2

Literature cited by the submitters: PubMed 28373026.